The following is an entry in ClinVar:

NM_004369.4(COL6A3):c.6853_6855delinsTGC (p.Gly2285Cys)

Gene: COL6A3 (collagen type VI alpha 3 chain; minus strand). Cytogenetic location: 2q37.3.
Variant type: Indel.
Coding change: c.6853_6855delinsTGC on transcript NM_004369.4 (MANE Select); coding-DNA positions 6853 to 6855, GGG replaced by TGC.
Protein change: p.Gly2285Cys; replaces glycine 2285 with cysteine.
Molecular consequence: missense variant.
Genome position (GRCh38, 1-based): chr2:237,350,171-237,350,173, CCC replaced by GCA on the plus strand (GGG replaced by TGC on the coding strand, the reverse complement: COL6A3 is on the minus strand). VCF-style: chr2-237350171-CCC-GCA. GRCh37 (hg19) VCF-style: chr2-238258814-CCC-GCA.
Other names: c.5032_5034delinsTGC, p.Gly1678Cys (NM_057166.5); c.6235_6237delinsTGC, p.Gly2079Cys (NM_057167.4); short protein forms G1678C, G2079C, G2285C.
Identifiers: ClinVar variation 4531847 (VCV004531847.1).

ClinVar aggregate classification (germline): Uncertain significance (1 of 4 stars; one submission).

Conditions:
Collagen 6-related myopathy. Identifiers: MedGen CN117976, MONDO:0100225.

Submission:

Victorian Clinical Genetics Services, Murdoch Childrens Research Institute
Classification: Uncertain significance for Collagen 6-related myopathy. Last evaluated: 2025-06-10. Review status: criteria provided, single submitter. Criteria: ACMG Guidelines, 2015. Collection method: clinical testing. Allele origin: germline. Affected: yes.
Comment: This variant is classified as VUS-3A. Evidence in support of pathogenic classification: Variant is absent from gnomAD (v2, v3 and v4); Variant is located in the well-established functional G-X-Y motif (DECIPHER); Missense variant predicted to be damaging by in silico tool(s) or highly conserved with a major amino acid change. Additional information: Variant is predicted to result in a missense amino acid change from glycine to cysteine; This variant is heterozygous; This gene is associated with both recessive and dominant disease (OMIM); Alternative amino acid change(s) at the same position are present in gnomAD (Highest alelle count: v4: 10 heterozygote(s), 0 homozygote(s)) ; This variant has no previous evidence of pathogenicity; No published segregation evidence has been identified for this variant; No published functional evidence has been identified for this variant; Another missense comparable to the one identified in this case has inconclusive previous evidence for pathogenicity. p.(Gly2285Arg) has been classified as likely pathogenic by a clinical laboratory in ClinVar; however, there are 10 heterozygous individuals in the population (gnomAD v4); Dominant negative and loss of function are known mechanisms of disease in this gene and are associated with collagen 6-related myopathy (MONDO:0100225) and dystonia 27 (MIM#616411); Inheritance information for this variant is not currently available in this individual.